The following is an entry in ClinVar:

NM_000051.4(ATM):c.8485C>T (p.Pro2829Ser)

Genes: ATM (ATM serine/threonine kinase; plus strand), C11orf65 (chromosome 11 open reading frame 65; minus strand). Cytogenetic location: 11q22.3.
Variant type: single nucleotide variant.
Coding change: c.8485C>T on transcript NM_000051.4 (MANE Select); coding-DNA position 8485, C replaced by T.
Protein change: p.Pro2829Ser; replaces proline 2829 with serine.
Molecular consequence: missense variant. On other transcripts: intron variant (2).
Genome position (GRCh38, 1-based): chr11:108,345,809, C>T. VCF-style: chr11-108345809-C-T. GRCh37 (hg19) VCF-style: chr11-108216536-C-T.
Other names: c.8485C>T, p.Pro2829Ser (NM_001351834.2); c.641-36738G>A (NM_001330368.2); c.695-10517G>A (NM_001351110.2); short protein forms P2829S.
Identifiers: ClinVar variation 1486916 (VCV001486916.7), dbSNP rs2137030040, ClinGen allele CA382518068.

ClinVar aggregate classification (germline): Likely pathogenic (1 of 4 stars; one submission).

Conditions:
Ataxia-telangiectasia syndrome (AT). Also called: LOUIS-BAR SYNDROME; Cerebello-oculocutaneous telangiectasia; Immunodeficiency with ataxia telangiectasia; Ataxia telangiectasia (A-T); Ataxia-telangiectasia, complementation group D; AT, COMPLEMENTATION GROUP C. Identifiers: Orphanet 100, MedGen C0004135, MONDO:0008840, OMIM 208900.

Submission:

Labcorp Genetics (formerly Invitae), Labcorp
Classification: Likely pathogenic for Ataxia-telangiectasia syndrome. Last evaluated: 2021-11-04. Review status: criteria provided, single submitter. Criteria: Invitae Variant Classification Sherloc (09022015). Collection method: clinical testing. Allele origin: germline.
Comment: This variant has not been reported in the literature in individuals affected with ATM-related conditions. Advanced modeling of protein sequence and biophysical properties (such as structural, functional, and spatial information, amino acid conservation, physicochemical variation, residue mobility, and thermodynamic stability) performed at Invitae indicates that this missense variant is expected to disrupt ATM protein function. This variant disrupts the p.Pro2829 amino acid residue in ATM. Other variant(s) that disrupt this residue have been determined to be pathogenic (PMID: 9711876; Invitae). This suggests that this residue is clinically significant, and that variants that disrupt this residue are likely to be disease-causing. In summary, the currently available evidence indicates that the variant is pathogenic, but additional data are needed to prove that conclusively. Therefore, this variant has been classified as Likely Pathogenic. This variant is not present in population databases (gnomAD no frequency). This sequence change replaces proline, which is neutral and non-polar, with serine, which is neutral and polar, at codon 2829 of the ATM protein (p.Pro2829Ser).

Literature cited by the submitters: PubMed 9711876.